The following is an entry in ClinVar:

NM_001018115.3(FANCD2):c.492-8C>T

Genes: FANCD2 (FA complementation group D2; plus strand), LOC107303338 (3p25 FANCD2 Alu-mediated recombination region; plus strand). Cytogenetic location: 3p25.3.
Variant type: single nucleotide variant.
Coding change: c.492-8C>T on transcript NM_001018115.3 (MANE Select); 8 bases into the intron before coding-DNA position 492, C replaced by T.
Molecular consequence: intron variant.
Genome position (GRCh38, 1-based): chr3:10,039,271, C>T. VCF-style: chr3-10039271-C-T. GRCh37 (hg19) VCF-style: chr3-10080955-C-T.
Other names: c.492-8C>T (NM_001319984.2, NM_001374253.1, NM_033084.6 and 3 more transcripts).
Identifiers: ClinVar variation 2740920 (VCV002740920.5), dbSNP rs1325535617, ClinGen allele CA540891690.
Genomic context (GRCh38, chr3:10,039,271, plus strand): 5'-GTATTAATGCTTGCTGTTATTTTGACCAGAAAGGCTCAGTTCCCTGTTTTCTCTTCCTAA[C>T]ATTTTAGCAAGAACAGTGATGAAATCAACATACCTCGACTCATTGTCAGTCAACTAAAAT-3'

ClinVar aggregate classification (germline): Likely benign. Review status: criteria provided, single submitter (1 of 4 stars). 2 submissions from 2 submitters: Likely benign (1). 1 of the submissions does not count toward it. Last evaluated 2023-09-03.

Conditions:
FANCD2-related disorder. Also called: FANCD2-related condition.
Fanconi anemia (FA). Also called: Fanconi's anemia. Identifiers: Orphanet 84, MedGen C0015625, MeSH D005199, MONDO:0019391.

Allele frequency attached by ClinVar (database versions not stated): gnomAD exomes below 0.00001; gnomAD 0.00001; TOPMed 0.00001.
gnomAD v4.1: 6 of 1,607,770 alleles (0.00037%); highest among the groups gnomAD compares: Admixed American, 0.0067%; no homozygotes.

Submissions (2):

Labcorp Genetics (formerly Invitae), Labcorp
Classification: Likely benign for Fanconi anemia. Last evaluated: 2023-09-03. Review status: criteria provided, single submitter. Criteria: Invitae Variant Classification Sherloc (09022015). Collection method: clinical testing. Allele origin: germline.

PreventionGenetics, part of Exact Sciences
Classification: Likely benign for FANCD2-related condition. Last evaluated: 2023-04-25. Review status: no assertion criteria provided. Collection method: clinical testing. Allele origin: germline. Not counted in ClinVar's aggregate classification.
Comment: This variant is classified as likely benign based on ACMG/AMP sequence variant interpretation guidelines (Richards et al. 2015 PMID: 25741868, with internal and published modifications).